The following is an entry in ClinVar:

NC_000022.10:g.(?_26864497)_(26873122_?)del

Gene: HPS4 (HPS4 biogenesis of lysosomal organelles complex 3 subunit 2; minus strand). Cytogenetic location: 22q12.1.
Variant type: Deletion.
Identifiers: ClinVar variation 3248137 (VCV003248137.1).

ClinVar aggregate classification (germline): Pathogenic (1 of 4 stars; one submission).

Submission:

Labcorp Genetics (formerly Invitae), Labcorp
Classification: Pathogenic. Last evaluated: 2023-10-22. Review status: criteria provided, single submitter. Criteria: Invitae Variant Classification Sherloc (09022015). Collection method: clinical testing. Allele origin: unknown.
Comment: This variant is a gross deletion of the genomic region encompassing exon(s) 4-8 of the HPS4 gene. This variant would be expected to be in-frame, preserving the integrity of the reading frame. This variant has not been reported in the literature in individuals affected with HPS4-related conditions. This variant disrupts a region of the HPS4 protein in which other variant(s) (p.Leu91Pro) have been determined to be pathogenic (PMID: 28983057, 30990103). This suggests that this is a clinically significant region of the protein, and that variants that disrupt it are likely to be disease-causing. For these reasons, this variant has been classified as Pathogenic.

Literature cited by the submitters: PubMed 28983057; PubMed 30990103.